The following is an entry in ClinVar:

ClinVar aggregate classification (germline): Uncertain significance (1 of 4 stars; one submission).

Submission:

Labcorp Genetics (formerly Invitae), Labcorp
Classification: Uncertain significance. Last evaluated: 2023-12-18. Review status: criteria provided, single submitter. Criteria: Invitae Variant Classification Sherloc (09022015). Collection method: clinical testing. Allele origin: germline.
Comment: This sequence change replaces phenylalanine, which is neutral and non-polar, with leucine, which is neutral and non-polar, at codon 385 of the TUBB2A protein (p.Phe385Leu). This variant is not present in population databases (gnomAD no frequency). This variant has not been reported in the literature in individuals affected with TUBB2A-related conditions. This missense change has been observed in at least one individual who was not affected with TUBB2A-related conditions (Invitae). Advanced modeling of protein sequence and biophysical properties (such as structural, functional, and spatial information, amino acid conservation, physicochemical variation, residue mobility, and thermodynamic stability) performed at Invitae indicates that this missense variant is expected to disrupt TUBB2A protein function with a positive predictive value of 80%. In summary, the available evidence is currently insufficient to determine the role of this variant in disease. Therefore, it has been classified as a Variant of Uncertain Significance.

NM_001069.3(TUBB2A):c.1153T>C (p.Phe385Leu)

Gene: TUBB2A (tubulin beta 2A class IIa; minus strand). Cytogenetic location: 6p25.2.
Variant type: single nucleotide variant.
Coding change: c.1153T>C on transcript NM_001069.3 (MANE Select); coding-DNA position 1153, T replaced by C.
Protein change: p.Phe385Leu; replaces phenylalanine 385 with leucine.
Molecular consequence: missense variant.
Genome position (GRCh38, 1-based): chr6:3,154,048, A>G on the plus strand (T>C on the coding strand, the complement: TUBB2A is on the minus strand). VCF-style: chr6-3154048-A-G. GRCh37 (hg19) VCF-style: chr6-3154282-A-G.
Other names: c.898T>C, p.Phe300Leu (NM_001310315.2); short protein forms F300L, F385L.
Identifiers: ClinVar variation 2732898 (VCV002732898.3), dbSNP rs2533523648, ClinGen allele CA362591112.